The following is an entry in ClinVar:

NM_018060.4(IARS2):c.1646C>T (p.Thr549Ile)

Gene: IARS2 (isoleucyl-tRNA synthetase 2, mitochondrial; plus strand). Cytogenetic location: 1q41.
Variant type: single nucleotide variant.
Coding change: c.1646C>T on transcript NM_018060.4 (MANE Select); coding-DNA position 1646, C replaced by T.
Protein change: p.Thr549Ile; replaces threonine 549 with isoleucine.
Molecular consequence: missense variant.
Genome position (GRCh38, 1-based): chr1:220,125,242, C>T. VCF-style: chr1-220125242-C-T. GRCh37 (hg19) VCF-style: chr1-220298584-C-T.
Other names: short protein forms T549I.
Identifiers: ClinVar variation 3390389 (VCV003390389.1).
Genomic context (GRCh38, chr1:220,125,242, plus strand): 5'-TGTTATTCATCACAATAGTTAATTGAATAATTCTGCCATGTCCCCCCTGAAATAGCCAAA[C>T]CACTGAGCATATTGTTAAACTAGTGGAACAACACGGCAGTGATATCTGGTGGACTCTTCC-3'
Protein context (NP_060530.3, residues 539-559): TKDEYLINSQ[Thr549Ile]TEHIVKLVEQ

ClinVar aggregate classification (germline): Uncertain significance (1 of 4 stars; one submission).

Submission:

GeneDx
Classification: Uncertain significance. Last evaluated: 2024-06-12. Review status: criteria provided, single submitter. Criteria: GeneDx Variant Classification Process June 2021. Collection method: clinical testing. Allele origin: germline. Affected: yes.
Comment: Not observed at significant frequency in large population cohorts (gnomAD); In silico analysis supports that this missense variant has a deleterious effect on protein structure/function; Has not been previously published as pathogenic or benign to our knowledge